The following is an entry in ClinVar:

ClinVar aggregate classification (germline): Uncertain significance (1 of 4 stars; one submission).

gnomAD v4.1: 32 of 1,613,824 alleles (0.002%); highest among the groups gnomAD compares: South Asian, 0.0033%; no homozygotes.

Submission:

Women's Health and Genetics/Laboratory Corporation of America, LabCorp
Classification: Uncertain significance. Last evaluated: 2024-09-26. Review status: criteria provided, single submitter. Criteria: LabCorp Variant Classification Summary - May 2015. Collection method: clinical testing. Allele origin: germline.
Comment: Variant summary: TET3 c.1372G>A (p.Asp458Asn) results in a conservative amino acid change in the encoded protein sequence. Three of four in-silico tools predict a benign effect of the variant on protein function. The variant allele was found at a frequency of 3.6e-05 in 249130 control chromosomes. The available data on variant occurrences in the general population are insufficient to allow any conclusion about variant significance. To our knowledge, no occurrence of c.1372G>A in individuals affected with Beck-Fahrner Syndrome and no experimental evidence demonstrating its impact on protein function have been reported. No submitters have cited clinical-significance assessments for this variant to ClinVar. Based on the evidence outlined above, the variant was classified as uncertain significance.

NM_001287491.2(TET3):c.1372G>A (p.Asp458Asn)

Gene: TET3 (tet methylcytosine dioxygenase 3; plus strand). Cytogenetic location: 2p13.1.
Variant type: single nucleotide variant.
Coding change: c.1372G>A on transcript NM_001287491.2 (MANE Select); coding-DNA position 1372, G replaced by A.
Protein change: p.Asp458Asn; replaces aspartic acid 458 with asparagine.
Molecular consequence: missense variant.
Genome position (GRCh38, 1-based): chr2:74,047,289, G>A. VCF-style: chr2-74047289-G-A. GRCh37 (hg19) VCF-style: chr2-74274416-G-A.
Other names: c.1093G>A, p.Asp365Asn (NM_001366022.1); short protein forms D365N, D458N.
Identifiers: ClinVar variation 3375178 (VCV003375178.1).
Genomic context (GRCh38, chr2:74,047,289, plus strand): 5'-GGCACTGACACCCCTCCAGCAACGCCCCGGAGCTCCTGGCCCATGCCTCGCCCAAGCCCC[G>A]ATCCCATGGCTGAACTGGAGCAGTTGTTGGGCAGCGCCAGTGATTACATCCAGTCAGTAT-3'
Protein context (NP_001274420.1, residues 448-468): SSWPMPRPSP[Asp458Asn]PMAELEQLLG